The following is an entry in ClinVar:

NM_000535.7(PMS2):c.526A>G (p.Asn176Asp)

Gene: PMS2 (PMS1 homolog 2, mismatch repair system component; minus strand). Cytogenetic location: 7p22.1.
Variant type: single nucleotide variant.
Coding change: c.526A>G on transcript NM_000535.7 (MANE Select); coding-DNA position 526, A replaced by G.
Protein change: p.Asn176Asp; replaces asparagine 176 with aspartic acid.
Molecular consequence: missense variant. On other transcripts: 5 prime UTR variant (2), non-coding transcript variant (1).
Genome position (GRCh38, 1-based): chr7:6,002,464, T>C on the plus strand (A>G on the coding strand, the complement: PMS2 is on the minus strand). VCF-style: chr7-6002464-T-C. GRCh37 (hg19) VCF-style: chr7-6042095-T-C.
Other names: c.121A>G, p.Asn41Asp (NM_001322003.2, NM_001322004.2, NM_001322005.2 and 3 more transcripts); c.526A>G, p.Asn176Asp (NM_001322006.2, NM_001322014.2); c.208A>G, p.Asn70Asp (NM_001322007.2, NM_001322008.2); c.-359A>G (NM_001322011.2, NM_001322012.2); c.217A>G, p.Asn73Asp (NM_001322015.2); short protein forms N176D, N73D, N41D, N70D.
Identifiers: ClinVar variation 649772 (VCV000649772.8), dbSNP rs1583402212, ClinGen allele CA366744172.

ClinVar aggregate classification (germline): Uncertain significance (1 of 4 stars; one submission).

Conditions:
Hereditary nonpolyposis colorectal neoplasms. Identifiers: MedGen C0009405, MeSH D003123.

Submission:

Labcorp Genetics (formerly Invitae), Labcorp
Classification: Uncertain significance for Hereditary nonpolyposis colorectal neoplasms. Last evaluated: 2018-12-06. Review status: criteria provided, single submitter. Criteria: Invitae Variant Classification Sherloc (09022015). Collection method: clinical testing. Allele origin: germline.
Comment: In summary, the available evidence is currently insufficient to determine the role of this variant in disease. Therefore, it has been classified as a Variant of Uncertain Significance. Algorithms developed to predict the effect of missense changes on protein structure and function are either unavailable or do not agree on the potential impact of this missense change (SIFT: "Deleterious"; PolyPhen-2: "Probably Damaging"; Align-GVGD: "Class C0"). This variant has not been reported in the literature in individuals with PMS2-related conditions. This variant is not present in population databases (ExAC no frequency). This sequence change replaces asparagine with aspartic acid at codon 176 of the PMS2 protein (p.Asn176Asp). The asparagine residue is highly conserved and there is a small physicochemical difference between asparagine and aspartic acid.